The following is an entry in ClinVar:

NM_000179.3(MSH6):c.2913del (p.Ile972fs)

Gene: MSH6 (mutS homolog 6; plus strand). Cytogenetic location: 2p16.3.
Variant type: Deletion.
Coding change: c.2913del on transcript NM_000179.3 (MANE Select); coding-DNA position 2913, one base deleted (G; older notation c.2913delG).
Protein change: p.Ile972fs; shifts the reading frame from isoleucine 972.
Molecular consequence: frameshift variant.
Genome position (GRCh38, 1-based): chr2:47,800,896, G deleted; the last of 5 consecutive G bases (chr2:47,800,892-47,800,896); deleting any one gives the same sequence. VCF-style (leftmost placement, unchanged base first): chr2-47800891-TG-T. GRCh37 (hg19) VCF-style: chr2-48028030-TG-T.
Other names: c.2523del, p.Ile842fs (NM_001281492.2); c.2007del, p.Ile670fs (NM_001281493.2, NM_001281494.2); c.2913delG (NM_000179.2); short protein forms I842fs, I670fs, I972fs.
Identifiers: ClinVar variation 428306 (VCV000428306.5), dbSNP rs1054003194, ClinGen allele CA645369258.

ClinVar aggregate classification (germline): Pathogenic (1 of 4 stars; one submission).

Conditions:
Hereditary cancer-predisposing syndrome. Also called: Hereditary Cancer Syndrome; Neoplastic Syndromes, Hereditary; Hereditary neoplastic syndrome; Tumor predisposition. Identifiers: Orphanet 140162, MedGen C0027672, MeSH D009386, MONDO:0015356.

Submission:

Ambry Genetics
Classification: Pathogenic for Hereditary cancer-predisposing syndrome. Last evaluated: 2014-09-26. Review status: criteria provided, single submitter. Criteria: Ambry Variant Classification Scheme 2023. Collection method: clinical testing. Allele origin: germline.
Comment: The c.2913delG pathogenic mutation, located in coding exon 4 of the MSH6 gene, results in a deletion of G at nucleotide position 2913, causing a translational frameshift with a predicted alternate stop codon. Since frameshifts are typically deleterious in nature, this alteration is interpreted as a disease-causing mutation (ACMG Recommendations for Standards for Interpretation and Reporting of Sequence Variations. Revision 2007. Genet Med. 2008;10:294).